The following is an entry in ClinVar:

NM_000395.3(CSF2RB):c.881G>A (p.Arg294Lys)

Gene: CSF2RB (colony stimulating factor 2 receptor subunit beta; plus strand). Cytogenetic location: 22q12.3.
Variant type: single nucleotide variant.
Coding change: c.881G>A on transcript NM_000395.3 (MANE Select); coding-DNA position 881, G replaced by A.
Protein change: p.Arg294Lys; replaces arginine 294 with lysine.
Molecular consequence: missense variant.
Genome position (GRCh38, 1-based): chr22:36,930,699, G>A. VCF-style: chr22-36930699-G-A. GRCh37 (hg19) VCF-style: chr22-37326741-G-A.
Other names: c.899G>A, p.Arg300Lys (NM_001410827.1); short protein forms R294K, R300K.
Identifiers: ClinVar variation 3616526 (VCV003616526.2).
Genomic context (GRCh38, chr22:36,930,699, plus strand): 5'-CTCTCCCTGCCCTCAGCTCTGCTGTGCTCCTCAGGGAGGAAGAGTGCTCCCCAGTGCTGA[G>A]GGAGGGGCTCGGCAGCCTCCACACCAGGCACCACTGCCAGATTCCCGTGCCCGACCCCGC-3'
Protein context (NP_000386.1, residues 284-304): AGEEECSPVL[Arg294Lys]EGLGSLHTRH

ClinVar aggregate classification (germline): Uncertain significance (1 of 4 stars; one submission).

gnomAD v4.1: 58 of 1,612,952 alleles (0.0036%); highest among the groups gnomAD compares: East Asian, 0.13%; no homozygotes.

Submission:

Labcorp Genetics (formerly Invitae), Labcorp
Classification: Uncertain significance. Last evaluated: 2024-06-30. Review status: criteria provided, single submitter. Criteria: Invitae Variant Classification Sherloc (09022015). Collection method: clinical testing. Allele origin: germline.
Comment: This sequence change replaces arginine, which is basic and polar, with lysine, which is basic and polar, at codon 294 of the CSF2RB protein (p.Arg294Lys). This variant is present in population databases (rs760148608, gnomAD 0.05%). This variant has not been reported in the literature in individuals affected with CSF2RB-related conditions. Advanced modeling of protein sequence and biophysical properties (such as structural, functional, and spatial information, amino acid conservation, physicochemical variation, residue mobility, and thermodynamic stability) performed at Invitae indicates that this missense variant is not expected to disrupt CSF2RB protein function with a negative predictive value of 80%. Algorithms developed to predict the effect of sequence changes on RNA splicing suggest that this variant may create or strengthen a splice site. In summary, the available evidence is currently insufficient to determine the role of this variant in disease. Therefore, it has been classified as a Variant of Uncertain Significance.